The following is an entry in ClinVar:

NM_153676.4(USH1C):c.2443C>A (p.Leu815Met)

Gene: USH1C (USH1 protein network component harmonin; minus strand). Cytogenetic location: 11p15.1.
Variant type: single nucleotide variant.
Coding change: c.2443C>A on transcript NM_153676.4 (MANE Select); coding-DNA position 2443, C replaced by A.
Protein change: p.Leu815Met; replaces leucine 815 with methionine.
Molecular consequence: missense variant. On other transcripts: non-coding transcript variant (1).
Genome position (GRCh38, 1-based): chr11:17,498,209, G>T on the plus strand (C>A on the coding strand, the complement: USH1C is on the minus strand). VCF-style: chr11-17498209-G-T. GRCh37 (hg19) VCF-style: chr11-17519756-G-T.
Other names: c.1486C>A, p.Leu496Met (NM_001297764.2); c.1543C>A, p.Leu515Met (NM_005709.4); short protein forms L496M, L515M, L815M.
Identifiers: ClinVar variation 1342767 (VCV001342767.6), dbSNP rs148477093, ClinGen allele CA5904162.

ClinVar aggregate classification (germline): Uncertain significance. Review status: criteria provided, multiple submitters, no conflicts (2 of 4 stars). 2 submissions from 2 submitters: Uncertain significance (2). Last evaluated 2022-02-28.

Submissions (2):

GeneDx
Classification: Uncertain significance. Last evaluated: 2022-02-28. Review status: criteria provided, single submitter. Criteria: GeneDx Variant Classification Process June 2021. Collection method: clinical testing. Allele origin: germline. Affected: yes.
Comment: In silico analysis supports that this missense variant does not alter protein structure/function; Has not been previously published as pathogenic or benign to our knowledge

Labcorp Genetics (formerly Invitae), Labcorp
Classification: Uncertain significance. Last evaluated: 2021-09-02. Review status: criteria provided, single submitter. Criteria: Invitae Variant Classification Sherloc (09022015). Collection method: clinical testing. Allele origin: germline.
Comment: This sequence change replaces leucine with methionine at codon 515 of the USH1C protein (p.Leu515Met). The leucine residue is highly conserved and there is a small physicochemical difference between leucine and methionine. This variant is present in population databases (rs148477093, ExAC 0.009%). This variant has not been reported in the literature in individuals affected with USH1C-related conditions. Algorithms developed to predict the effect of missense changes on protein structure and function are either unavailable or do not agree on the potential impact of this missense change (SIFT: "Deleterious"; PolyPhen-2: "Probably Damaging"; Align-GVGD: "Class C0"). In summary, the available evidence is currently insufficient to determine the role of this variant in disease. Therefore, it has been classified as a Variant of Uncertain Significance.